The following is an entry in ClinVar:

NM_004371.4(COPA):c.2998G>A (p.Gly1000Ser)

Gene: COPA (coat protein complex I subunit alpha; minus strand). Cytogenetic location: 1q23.2.
Variant type: single nucleotide variant.
Coding change: c.2998G>A on transcript NM_004371.4 (MANE Select); coding-DNA position 2998, G replaced by A.
Protein change: p.Gly1000Ser; replaces glycine 1000 with serine.
Molecular consequence: missense variant.
Genome position (GRCh38, 1-based): chr1:160,292,161, C>T on the plus strand (G>A on the coding strand, the complement: COPA is on the minus strand). VCF-style: chr1-160292161-C-T. GRCh37 (hg19) VCF-style: chr1-160261951-C-T.
Other names: c.3025G>A, p.Gly1009Ser (NM_001098398.2); c.3025G>A (NM_001098398.1); short protein forms G1009S, G1000S.
Identifiers: ClinVar variation 1976057 (VCV001976057.6), dbSNP rs1658259954, ClinGen allele CA343272459.
Genomic context (GRCh38, chr1:160,292,161, plus strand): 5'-CAACTGTGGTGAGCTGGTAGCACAGCTGCAACCGTTGGATGAGGTCATTAAGCTTCAGGC[C>T]CACAGCTGGTACACCATTCTTCAGCCCTGCATCCTTCCTGGAAAGGGAAAAGTAGGAAGA-3'
Protein context (NP_004362.2, residues 990-1010): AGLKNGVPAV[Gly1000Ser]LKLNDLIQRL

ClinVar aggregate classification (germline): Uncertain significance. Review status: criteria provided, multiple submitters, no conflicts (2 of 4 stars). 2 submissions from 2 submitters: Uncertain significance (2). Last evaluated 2025-08-07.

Conditions:
Autoimmune interstitial lung disease-arthritis syndrome. Also called: Autoinflammation and autoimmunity, systemic, with immune dysregulation. Identifiers: Orphanet 444092, MedGen C5975714, MONDO:0014629.
Inborn genetic diseases. Identifiers: MedGen C0950123, MeSH D030342.

Allele frequency attached by ClinVar (database versions not stated): gnomAD exomes below 0.00001; TOPMed below 0.00001.
gnomAD v4.1: 4 of 1,613,626 alleles (0.00025%); highest among the groups gnomAD compares: East Asian, 0.0022%; no homozygotes.

Submissions (2):

Ambry Genetics
Classification: Uncertain significance for Inborn genetic diseases. Last evaluated: 2025-08-07. Review status: criteria provided, single submitter. Criteria: Ambry Variant Classification Scheme 2023. Collection method: clinical testing. Allele origin: germline.

Labcorp Genetics (formerly Invitae), Labcorp
Classification: Uncertain significance for Autoimmune interstitial lung disease-arthritis syndrome. Last evaluated: 2025-05-24. Review status: criteria provided, single submitter. Criteria: Invitae Variant Classification Sherloc (09022015). Collection method: clinical testing. Allele origin: germline.
Comment: This sequence change replaces glycine, which is neutral and non-polar, with serine, which is neutral and polar, at codon 1000 of the COPA protein (p.Gly1000Ser). This variant is not present in population databases (gnomAD no frequency). This variant has not been reported in the literature in individuals affected with COPA-related conditions. ClinVar contains an entry for this variant (Variation ID: 1976057). Invitae Evidence Modeling of protein sequence and biophysical properties (such as structural, functional, and spatial information, amino acid conservation, physicochemical variation, residue mobility, and thermodynamic stability) indicates that this missense variant is not expected to disrupt COPA protein function with a negative predictive value of 80%. In summary, the available evidence is currently insufficient to determine the role of this variant in disease. Therefore, it has been classified as a Variant of Uncertain Significance.